The following is an entry in ClinVar:

NM_007215.4(POLG2):c.299G>C (p.Gly100Ala)

Genes: MILR1 (mast cell immunoglobulin like receptor 1; plus strand), POLG2 (DNA polymerase gamma 2, accessory subunit; minus strand). Cytogenetic location: 17q23.3.
Variant type: single nucleotide variant.
Coding change: c.299G>C on transcript NM_007215.4 (MANE Select); coding-DNA position 299, G replaced by C.
Protein change: p.Gly100Ala; replaces glycine 100 with alanine.
Molecular consequence: missense variant.
Genome position (GRCh38, 1-based): chr17:64,496,670, C>G on the plus strand (G>C on the coding strand, the complement: POLG2 is on the minus strand). VCF-style: chr17-64496670-C-G. GRCh37 (hg19) VCF-style: chr17-62492788-C-G.
Other names: c.299G>C (NM_007215.3); short protein forms G100A.
Identifiers: ClinVar variation 1985347 (VCV001985347.4), dbSNP rs782380154, ClinGen allele CA8713060.
Genomic context (GRCh38, chr17:64,496,670, plus strand): 5'-ACCACCACCGAGGTCCACCATTCTGCGGCCAGGTTCTTCCGCAACTCTACGCCCAAGGGT[C>G]CGAAGCCGGGGTGGCACCCACTCAGAAGAGAATCCCGGCTAAGCTGCTGCTTGCTTCCAC-3'
Protein context (NP_009146.2, residues 90-110): SLLSGCHPGF[Gly100Ala]PLGVELRKNL

ClinVar aggregate classification (germline): Uncertain significance. Review status: criteria provided, multiple submitters, no conflicts (2 of 4 stars). 2 submissions from 2 submitters: Uncertain significance (2). Last evaluated 2024-07-21.

Allele frequency attached by ClinVar (database versions not stated): ExAC 0.00004; TOPMed 0.00005.
gnomAD v4.1: 50 of 1,613,908 alleles (0.0031%); highest among the groups gnomAD compares: Non-Finnish European, 0.0041%; no homozygotes.

Submissions (2):

Labcorp Genetics (formerly Invitae), Labcorp
Classification: Uncertain significance. Last evaluated: 2024-07-21. Review status: criteria provided, single submitter. Criteria: Invitae Variant Classification Sherloc (09022015). Collection method: clinical testing. Allele origin: germline.
Comment: This sequence change replaces glycine, which is neutral and non-polar, with alanine, which is neutral and non-polar, at codon 100 of the POLG2 protein (p.Gly100Ala). This variant is present in population databases (rs782380154, gnomAD 0.005%). This variant has not been reported in the literature in individuals affected with POLG2-related conditions. ClinVar contains an entry for this variant (Variation ID: 1985347). An algorithm developed to predict the effect of missense changes on protein structure and function (PolyPhen-2) suggests that this variant is likely to be disruptive. In summary, the available evidence is currently insufficient to determine the role of this variant in disease. Therefore, it has been classified as a Variant of Uncertain Significance.

Ambry Genetics
Classification: Uncertain significance. Last evaluated: 2021-07-27. Review status: criteria provided, single submitter. Criteria: Ambry Variant Classification Scheme 2023. Collection method: clinical testing. Allele origin: germline.